The following is an entry in ClinVar:

ClinVar aggregate classification (germline): Likely pathogenic (1 of 4 stars; one submission).

Conditions:
Duchenne muscular dystrophy (DMD). Also called: Duchenne Muscular Dystrophy (DMD); MUSCULAR DYSTROPHY, PSEUDOHYPERTROPHIC PROGRESSIVE, DUCHENNE TYPE. Identifiers: Orphanet 98896, MedGen C0013264, MONDO:0010679, OMIM 310200.

Submission:

Institute of Human Genetics, University of Leipzig Medical Center
Classification: Likely pathogenic for Duchenne muscular dystrophy. Last evaluated: 2026-02-27. Review status: criteria provided, single submitter. Criteria: ACMG Guidelines, 2015. Collection method: clinical testing. Allele origin: maternal. Inheritance: X-linked recessive inheritance. Affected: yes.
Comment: Criteria applied: PM2,PS4,PVS1_STR(RNA)

NM_004006.3(DMD):c.1149+250C>T

Gene: DMD (dystrophin; minus strand). Cytogenetic location: Xp21.1.
Variant type: single nucleotide variant.
Coding change: c.1149+250C>T on transcript NM_004006.3 (MANE Select); 250 bases into the intron after coding-DNA position 1149, C replaced by T.
Molecular consequence: intron variant.
Genome position (GRCh38, 1-based): chrX:32,644,714, G>A on the plus strand (C>T on the coding strand, the complement: DMD is on the minus strand). VCF-style: chrX-32644714-G-A. GRCh37 (hg19) VCF-style: chrX-32662831-G-A.
Other names: c.1125+250C>T (NM_000109.4); c.1137+250C>T (NM_004009.3); c.780+250C>T (NM_004010.3).
Identifiers: ClinVar variation 4819116 (VCV004819116.1).